The following is an entry in ClinVar:

ClinVar aggregate classification (germline): Likely pathogenic (1 of 4 stars; one submission).

Conditions:
Pontocerebellar hypoplasia type 6 (PCH6). Identifiers: Orphanet 166073, MedGen C1969084, MONDO:0012683, OMIM 611523.

Submission:

Natera, Inc.
Classification: Likely pathogenic for Pontocerebellar hypoplasia, type 6. Last evaluated: 2025-12-02. Review status: criteria provided, single submitter. Criteria: Natera Variant Classification Schema (03/2026). Collection method: clinical testing. Allele origin: germline.
Comment: The c.-1_3dup variant in RARS2 is predicted to result in start loss due to disruption of the initiator methionine. This variant is expected to result in nonsense mediated decay, truncation, or a dysfunctional protein product. This variant is rare in the general population with a frequency below the threshold expected for the associated phenotype(s). Given the available evidence, this variant is classified as Likely Pathogenic.

NM_020320.5(RARS2):c.-1_3dup (p.Ala2fs)

Gene: RARS2 (arginyl-tRNA synthetase 2, mitochondrial; minus strand). Cytogenetic location: 6q15.
Variant type: Duplication.
Coding change: c.-1_3dup on transcript NM_020320.5 (MANE Select); 1 bases upstream of the start codon through coding-DNA position 3, 4 bases duplicated (CATG; older notation c.-1_3dupCATG).
Protein change: p.Ala2fs; shifts the reading frame from alanine 2.
Molecular consequence: frameshift variant, initiator codon variant. On other transcripts: 5 prime UTR variant (7), non-coding transcript variant (23).
Genome position (GRCh38, 1-based): chr6:87,589,955-87,589,958, CATG duplicated on the plus strand (CATG on the coding strand, the reverse complement: RARS2 is on the minus strand). VCF-style (leftmost placement, unchanged base first): chr6-87589954-C-CCATG. GRCh37 (hg19) VCF-style: chr6-88299672-C-CCATG.
Other names: c.-691_-688dup (NM_001318785.2); c.-1_3dup, p.Ala2fs (NM_001350505.2); c.-747_-744dup (NM_001350506.2, NM_001350510.2); c.-870_-867dup (NM_001350507.2); c.-909_-906dup (NM_001350508.2); c.-617_-614dup (NM_001350509.2); c.-866_-863dup (NM_001350511.2); short protein forms A2fs.
Identifiers: ClinVar variation 4816041 (VCV004816041.1).